The following is an entry in ClinVar:

NM_001365536.1(SCN9A):c.5403A>T (p.Lys1801Asn)

Genes: SCN9A (sodium voltage-gated channel alpha subunit 9; minus strand), SCN1A-AS1 (SCN1A and SCN9A antisense RNA 1; plus strand). Cytogenetic location: 2q24.3.
Variant type: single nucleotide variant.
Coding change: c.5403A>T on transcript NM_001365536.1 (MANE Select); coding-DNA position 5403, A replaced by T.
Protein change: p.Lys1801Asn; replaces lysine 1801 with asparagine.
Molecular consequence: missense variant.
Genome position (GRCh38, 1-based): chr2:166,199,236, T>A on the plus strand (A>T on the coding strand, the complement: SCN9A is on the minus strand). VCF-style: chr2-166199236-T-A. GRCh37 (hg19) VCF-style: chr2-167055746-T-A.
Other names: c.5370A>T, p.Lys1790Asn (NM_002977.4); short protein forms K1790N, K1801N.
Identifiers: ClinVar variation 471144 (VCV000471144.9), dbSNP rs748702835, ClinGen allele CA1943684.

ClinVar aggregate classification (germline): Uncertain significance (1 of 4 stars; one submission).

Conditions:
Neuropathy, hereditary sensory and autonomic, type 2A (HSAN2A). Also called: ACROOSTEOLYSIS, NEUROGENIC; ACROOSTEOLYSIS, GIACCAI TYPE; MORVAN DISEASE; NEUROPATHY, CONGENITAL SENSORY; NEUROPATHY, HEREDITARY SENSORY RADICULAR, AUTOSOMAL RECESSIVE; NEUROPATHY, HEREDITARY SENSORY, TYPE IIA. Identifiers: Orphanet 970, MedGen C2752089, MONDO:0024309, OMIM 201300.
Generalized epilepsy with febrile seizures plus, type 7 (GEFSP7). Also called: GEFS+, TYPE 7. Identifiers: Orphanet 36387, MedGen C2751778, MONDO:0013470, OMIM 613863.

Allele frequency attached by ClinVar (database versions not stated): gnomAD exomes below 0.00001 and 0.00001; TOPMed below 0.00001; gnomAD 0.00001; ExAC 0.00002.
gnomAD v4.1: 9 of 1,613,850 alleles (0.00056%); highest among the groups gnomAD compares: Non-Finnish European, 0.00059%; no homozygotes.

Submission:

Labcorp Genetics (formerly Invitae), Labcorp
Classification: Uncertain significance for Neuropathy, hereditary sensory and autonomic, type 2A; Generalized epilepsy with febrile seizures plus, type 7. Last evaluated: 2022-02-18. Review status: criteria provided, single submitter. Criteria: Invitae Variant Classification Sherloc (09022015). Collection method: clinical testing. Allele origin: germline.
Comment: In summary, the available evidence is currently insufficient to determine the role of this variant in disease. Therefore, it has been classified as a Variant of Uncertain Significance. This variant has not been reported in the literature in individuals affected with SCN9A-related conditions. ClinVar contains an entry for this variant (Variation ID: 471144). Algorithms developed to predict the effect of missense changes on protein structure and function are either unavailable or do not agree on the potential impact of this missense change (SIFT: "Deleterious"; PolyPhen-2: "Benign"; Align-GVGD: "Class C0"). This variant is present in population databases (rs748702835, gnomAD 0.003%). This sequence change replaces lysine, which is basic and polar, with asparagine, which is neutral and polar, at codon 1790 of the SCN9A protein (p.Lys1790Asn).